The following is an entry in ClinVar:

NM_001204.7(BMPR2):c.1332dup (p.Thr445fs)

Gene: BMPR2 (bone morphogenetic protein receptor type 2; plus strand). Cytogenetic location: 2q33.2.
Variant type: Duplication.
Coding change: c.1332dup on transcript NM_001204.7 (MANE Select); coding-DNA position 1332, one base duplicated (C; older notation c.1332dupC).
Protein change: p.Thr445fs; shifts the reading frame from threonine 445.
Molecular consequence: frameshift variant.
Genome position (GRCh38, 1-based): chr2:202,542,366, C duplicated; the last of 3 consecutive C bases (chr2:202,542,364-202,542,366); duplicating any one gives the same sequence. VCF-style (leftmost placement, unchanged base first): chr2-202542363-T-TC. GRCh37 (hg19) VCF-style: chr2-203407086-T-TC.
Other names: short protein forms T445fs.
Identifiers: ClinVar variation 1424050 (VCV001424050.6), dbSNP rs2106030892, ClinGen allele CA2573134356.
Genomic context (GRCh38, chr2:202,542,363, plus strand): 5'-ATCCACAGGGGAATCCGTACCAGAGTACCAGATGGCTTTTCAGACAGAGGTTGGAAACCA[T>TC]CCCACTTTTGAGGATATGCAGGTTCTCGTGTCTAGGGAAAAACAGAGACCCAAGTTCCCA-3'

ClinVar aggregate classification (germline): Pathogenic (1 of 4 stars; one submission).

Conditions:
Primary pulmonary hypertension. Also called: Idiopathic pulmonary hypertension. Identifiers: MedGen C0152171.

Submission:

Labcorp Genetics (formerly Invitae), Labcorp
Classification: Pathogenic for Primary pulmonary hypertension. Last evaluated: 2020-10-28. Review status: criteria provided, single submitter. Criteria: Invitae Variant Classification Sherloc (09022015). Collection method: clinical testing. Allele origin: germline.
Comment: For these reasons, this variant has been classified as Pathogenic. This variant has not been reported in the literature in individuals with BMPR2-related conditions. This variant is not present in population databases (ExAC no frequency). This sequence change creates a premature translational stop signal (p.Thr445Hisfs*3) in the BMPR2 gene. It is expected to result in an absent or disrupted protein product. Loss-of-function variants in BMPR2 are known to be pathogenic (PMID: 16429395).

Literature cited by the submitters: PubMed 16429395.